The following is an entry in ClinVar:

ClinVar aggregate classification (germline): Pathogenic (1 of 4 stars; one submission).

Submission:

CeGaT Center for Human Genetics Tuebingen
Classification: Pathogenic. Last evaluated: 2025-06-01. Review status: criteria provided, single submitter. Criteria: CeGaT Center For Human Genetics Tuebingen Variant Classification Criteria Version 2. Collection method: clinical testing. Allele origin: germline. Affected: yes. Observed: 1 variant allele.
Comment: LRBA: PVS1, PM2

NM_001364905.1(LRBA):c.1269_1279delinsTCCT (p.Arg424fs)

Gene: LRBA (LPS responsive beige-like anchor protein; minus strand). Cytogenetic location: 4q31.3.
Variant type: Indel.
Coding change: c.1269_1279delinsTCCT on transcript NM_001364905.1 (MANE Select); coding-DNA positions 1269 to 1279, ACGGGCTACAG replaced by TCCT.
Protein change: p.Arg424fs; shifts the reading frame from arginine 424.
Molecular consequence: frameshift variant.
Genome position (GRCh38, 1-based): chr4:150,908,740-150,908,750, CTGTAGCCCGT replaced by AGGA on the plus strand (ACGGGCTACAG replaced by TCCT on the coding strand, the reverse complement: LRBA is on the minus strand). VCF-style: chr4-150908740-CTGTAGCCCGT-AGGA. GRCh37 (hg19) VCF-style: chr4-151829892-CTGTAGCCCGT-AGGA.
Other names: c.1269_1279delACGGGCTACAGinsTCCT, p.Arg424Profs (NM_001199282.3, NM_006726.5); c.1269_1279delinsTCCT, p.Arg424fs (NM_001367550.1); short protein forms R424fs.
Identifiers: ClinVar variation 3906118 (VCV003906118.10).